The following is an entry in ClinVar:

NM_153610.5(CMYA5):c.10074C>T (p.His3358=)

Gene: CMYA5 (cardiomyopathy associated 5; plus strand). Cytogenetic location: 5q14.1.
Variant type: single nucleotide variant.
Coding change: c.10074C>T on transcript NM_153610.5 (MANE Select); coding-DNA position 10074, C replaced by T.
Protein change: p.His3358=; no amino-acid change (histidine 3358 retained).
Molecular consequence: synonymous variant.
Genome position (GRCh38, 1-based): chr5:79,738,839, C>T. VCF-style: chr5-79738839-C-T. GRCh37 (hg19) VCF-style: chr5-79034662-C-T.
Identifiers: ClinVar variation 2655564 (VCV002655564.24), dbSNP rs3828611, ClinGen allele CA3322897.

ClinVar aggregate classification (germline): Likely benign (1 of 4 stars; one submission).

gnomAD v4.1: 20 of 1,613,598 alleles (0.0012%); highest among the groups gnomAD compares: African/African-American, 0.004%; 1 homozygote.

Submission:

CeGaT Center for Human Genetics Tuebingen
Classification: Likely benign. Last evaluated: 2023-04-01. Review status: criteria provided, single submitter. Criteria: CeGaT Center For Human Genetics Tuebingen Variant Classification Criteria Version 2. Collection method: clinical testing. Allele origin: germline. Affected: yes. Observed: 1 variant allele.
Comment: CMYA5: BP4, BP7